The following is an entry in ClinVar:

ClinVar aggregate classification (germline): Pathogenic (1 of 4 stars; one submission).

Conditions:
Intellectual developmental disorder, autosomal dominant 1. Also called: Intellectual disability, autosomal dominant 1; MBD5 Haploinsufficiency. Identifiers: Orphanet 228402, MedGen C1969562, MONDO:0007974, OMIM 156200.

Submission:

Labcorp Genetics (formerly Invitae), Labcorp
Classification: Pathogenic for Intellectual developmental disorder, autosomal dominant 1. Last evaluated: 2020-09-25. Review status: criteria provided, single submitter. Criteria: Invitae Variant Classification Sherloc (09022015). Collection method: clinical testing. Allele origin: germline.
Comment: This sequence change creates a premature translational stop signal (p.Arg1296*) in the MBD5 gene. It is expected to result in an absent or disrupted protein product. This variant is not present in population databases (ExAC no frequency). This variant has not been reported in the literature in individuals with MBD5-related conditions. Loss-of-function variants in MBD5 are known to be pathogenic (PMID: 23422940, 23587880). For these reasons, this variant has been classified as Pathogenic.

Literature cited by the submitters: PubMed 23422940; PubMed 23587880.

NM_001378120.1(MBD5):c.4585C>T (p.Arg1529Ter)

Gene: MBD5 (methyl-CpG binding domain protein 5; plus strand). Cytogenetic location: 2q23.1.
Variant type: single nucleotide variant.
Coding change: c.4585C>T on transcript NM_001378120.1 (MANE Select); coding-DNA position 4585, C replaced by T.
Protein change: p.Arg1529Ter; replaces arginine 1529 with a stop codon.
Molecular consequence: nonsense.
Genome position (GRCh38, 1-based): chr2:148,490,217, C>T. VCF-style: chr2-148490217-C-T. GRCh37 (hg19) VCF-style: chr2-149247786-C-T.
Other names: c.3886C>T, p.Arg1296Ter (NM_018328.5); short protein forms R1296*, R1529*.
Identifiers: ClinVar variation 1072505 (VCV001072505.2), dbSNP rs2105130509, ClinGen allele CA348729598.